The following is an entry in ClinVar:

ClinVar aggregate classification (germline): Uncertain significance (1 of 4 stars; one submission).

Submission:

Ambry Genetics
Classification: Uncertain significance. Last evaluated: 2026-05-19. Review status: criteria provided, single submitter. Criteria: Ambry Variant Classification Scheme 2023. Collection method: clinical testing. Allele origin: germline.
Comment: The p.S587Y variant (also known as c.1760C>A), located in coding exon 2 of the CDK12 gene, results from a C to A substitution at nucleotide position 1760. The serine at codon 587 is replaced by tyrosine, an amino acid with dissimilar properties. This amino acid position is conserved. In addition, this alteration is predicted to be tolerated by in silico analysis. Based on the available evidence, the clinical significance of this variant remains unclear.

NM_016507.4(CDK12):c.1760C>A (p.Ser587Tyr)

Gene: CDK12 (cyclin dependent kinase 12; plus strand). Cytogenetic location: 17q12.
Variant type: single nucleotide variant.
Coding change: c.1760C>A on transcript NM_016507.4 (MANE Select); coding-DNA position 1760, C replaced by A.
Protein change: p.Ser587Tyr; replaces serine 587 with tyrosine.
Molecular consequence: missense variant.
Genome position (GRCh38, 1-based): chr17:39,471,592, C>A. VCF-style: chr17-39471592-C-A. GRCh37 (hg19) VCF-style: chr17-37627845-C-A.
Other names: c.1760C>A, p.Ser587Tyr (NM_015083.4); short protein forms S587Y.
Identifiers: ClinVar variation 4868547 (VCV004868547.1).